The following is an entry in ClinVar:

ClinVar aggregate classification (germline): Uncertain significance. Review status: criteria provided, multiple submitters, no conflicts (2 of 4 stars). 3 submissions from 3 submitters: Uncertain significance (3). Last evaluated 2019-09-25.

Conditions:
Cardiovascular phenotype. Identifiers: MedGen CN230736.

Allele frequency attached by ClinVar (database versions not stated): TOPMed below 0.00001; gnomAD exomes 0.00001.
gnomAD v4.1: 3 of 1,606,224 alleles (0.00019%); highest among the groups gnomAD compares: Non-Finnish European, 0.00026%; no homozygotes.

Submissions (3):

Ambry Genetics
Classification: Uncertain significance for Cardiovascular phenotype. Last evaluated: 2019-09-25. Review status: criteria provided, single submitter. Criteria: Ambry Variant Classification Scheme 2023. Collection method: clinical testing. Allele origin: germline.
Comment: The p.A8171V variant (also known as c.24512C>T), located in coding exon 99 of the TTN gene, results from a C to T substitution at nucleotide position 24512. The alanine at codon 8171 is replaced by valine, an amino acid with similar properties. This amino acid position is not well conserved in available vertebrate species. In addition, this alteration is predicted to be tolerated by in silico analysis. Since supporting evidence is limited at this time, the clinical significance of this alteration remains unclear.

Revvity Omics, Revvity
Classification: Uncertain significance. Last evaluated: 2019-06-10. Review status: criteria provided, single submitter. Criteria: ACMG Guidelines, 2015. Collection method: clinical testing. Allele origin: germline.

Eurofins Ntd Llc (ga)
Classification: Uncertain significance. Last evaluated: 2017-09-14. Review status: criteria provided, single submitter. Criteria: EGL Classification Definitions 2015. Collection method: clinical testing. Allele origin: germline. Observed: 2 variant alleles, 2 heterozygotes.

NM_001267550.2(TTN):c.51707C>T (p.Ala17236Val)

Genes: TTN (titin; minus strand), TTN-AS1 (TTN antisense RNA 1; plus strand). Cytogenetic location: 2q31.2.
Variant type: single nucleotide variant.
Coding change: c.51707C>T on transcript NM_001267550.2 (MANE Select); coding-DNA position 51707, C replaced by T.
Protein change: p.Ala17236Val; replaces alanine 17236 with valine.
Molecular consequence: missense variant.
Genome position (GRCh38, 1-based): chr2:178,609,716, G>A on the plus strand (C>T on the coding strand, the complement: TTN is on the minus strand). VCF-style: chr2-178609716-G-A. GRCh37 (hg19) VCF-style: chr2-179474443-G-A.
Other names: c.46784C>T, p.Ala15595Val (NM_001256850.1); c.24512C>T, p.Ala8171Val (NM_003319.4); c.44003C>T, p.Ala14668Val (NM_133378.4); c.24887C>T, p.Ala8296Val (NM_133432.3); c.25088C>T, p.Ala8363Val (NM_133437.4); short protein forms A14668V, A17236V, A8363V, A15595V, A8171V, A8296V.
Identifiers: ClinVar variation 594024 (VCV000594024.10), dbSNP rs1041202552, ClinGen allele CA60983729.